The following is an entry in ClinVar:

ClinVar aggregate classification (germline): Likely benign. Review status: criteria provided, multiple submitters, no conflicts (2 of 4 stars). 2 submissions from 2 submitters: Likely benign (2). Last evaluated 2026-05-22.

Conditions:
TUBA8-related disorder. Also called: TUBA8-related condition.

Allele frequency attached by ClinVar (database versions not stated): gnomAD exomes below 0.00001; TOPMed below 0.00001; gnomAD 0.00001.

Submissions (2):

PreventionGenetics, part of Exact Sciences
Classification: Likely benign for TUBA8-related condition. Last evaluated: 2026-05-22. Review status: criteria provided, single submitter. Criteria: ACMG Guidelines, 2015. Collection method: clinical testing. Allele origin: germline.
Comment: This variant is classified as likely benign based on ACMG/AMP sequence variant interpretation guidelines (Richards et al. 2015 PMID: 25741868, with internal and published modifications).

GeneDx
Classification: Likely benign. Last evaluated: 2016-04-28. Review status: criteria provided, single submitter. Criteria: GeneDx Variant Classification (06012015). Collection method: clinical testing. Allele origin: germline. Affected: yes.
Comment: This variant is considered likely benign or benign based on one or more of the following criteria: it is a conservative change, it occurs at a poorly conserved position in the protein, it is predicted to be benign by multiple in silico algorithms, and/or has population frequency not consistent with disease.

NM_018943.3(TUBA8):c.546G>A (p.Val182=)

Gene: TUBA8 (tubulin alpha 8; plus strand). Cytogenetic location: 22q11.21.
Variant type: single nucleotide variant.
Coding change: c.546G>A on transcript NM_018943.3 (MANE Select); coding-DNA position 546, G replaced by A.
Protein change: p.Val182=; no amino-acid change (valine 182 retained).
Molecular consequence: synonymous variant.
Genome position (GRCh38, 1-based): chr22:18,126,524, G>A. VCF-style: chr22-18126524-G-A. GRCh37 (hg19) VCF-style: chr22-18609291-G-A.
Other names: c.348G>A, p.Val116= (NM_001193414.2).
Identifiers: ClinVar variation 385566 (VCV000385566.2), dbSNP rs1057522263, ClinGen allele CA16608594.
Genomic context (GRCh38, chr22:18,126,524, plus strand): 5'-CAAGAAATCCAAGCTGGAGTTTGCCATCTACCCAGCCCCCCAGGTCTCTACTGCAGTGGT[G>A]GAGCCCTACAACTCCATCCTGACCACCCACACCACACTGGAACATTCAGATTGTGCTTTC-3'
Protein context (NP_061816.1, residues 172-192): YPAPQVSTAV[Val182=]EPYNSILTTH